The following is an entry in ClinVar:

NC_000007.13:g.(?_70227856)_(70242160_?)del

Gene: AUTS2 (activator of transcription and developmental regulator AUTS2; plus strand). Cytogenetic location: 7q11.22.
Variant type: Deletion.
Identifiers: ClinVar variation 1072549 (VCV001072549.2).

ClinVar aggregate classification (germline): Pathogenic (1 of 4 stars; one submission).

Submission:

Labcorp Genetics (formerly Invitae), Labcorp
Classification: Pathogenic. Last evaluated: 2020-09-18. Review status: criteria provided, single submitter. Criteria: Invitae Variant Classification Sherloc (09022015). Collection method: clinical testing. Allele origin: germline.
Comment: This variant is an out-of-frame deletion of the genomic region encompassing exon(s) 7-14 of the AUTS2 gene. This is expected to create a premature translational stop signal and result in an absent or disrupted protein product. This variant has not been reported in the literature in individuals with AUTS2-related conditions. Loss-of-function variants in AUTS2 are known to be pathogenic (PMID: 25205402, 27075013). For these reasons, this variant has been classified as Pathogenic.

Literature cited by the submitters: PubMed 25205402; PubMed 27075013.